The following is an entry in ClinVar:

ClinVar aggregate classification (germline): Uncertain significance. Review status: criteria provided, multiple submitters, no conflicts (2 of 4 stars). 3 submissions from 3 submitters: Uncertain significance (3). Last evaluated 2023-06-06.

Conditions:
Congenital myotonia, autosomal dominant form (THD). Also called: THOMSEN DISEASE; Myotonia congenita autosomal dominant. Identifiers: Orphanet 614, MedGen C2936781, MONDO:0008055, OMIM 160800.
Congenital myotonia, autosomal recessive form. Also called: Becker Generalized Myotonia; myotonia congenita, autosomal recessive; BECKER DISEASE. Identifiers: Orphanet 614, MedGen C0751360, MONDO:0009715, OMIM 255700.
Inborn genetic diseases. Identifiers: MedGen C0950123, MeSH D030342.

Allele frequency attached by ClinVar (database versions not stated): gnomAD exomes 0.00001 and 0.00002; ExAC 0.00002.
gnomAD v4.1: 19 of 1,614,212 alleles (0.0012%); highest among the groups gnomAD compares: South Asian, 0.0033%; no homozygotes.

Submissions (3):

Ambry Genetics
Classification: Uncertain significance for Inborn genetic diseases. Last evaluated: 2023-06-06. Review status: criteria provided, single submitter. Criteria: Ambry Variant Classification Scheme 2023. Collection method: clinical testing. Allele origin: germline.

Labcorp Genetics (formerly Invitae), Labcorp
Classification: Uncertain significance for Congenital myotonia, autosomal recessive form; Congenital myotonia, autosomal dominant form. Last evaluated: 2021-08-31. Review status: criteria provided, single submitter. Criteria: Invitae Variant Classification Sherloc (09022015). Collection method: clinical testing. Allele origin: germline.
Comment: This sequence change replaces leucine with phenylalanine at codon 173 of the CLCN1 protein (p.Leu173Phe). The leucine residue is highly conserved and there is a small physicochemical difference between leucine and phenylalanine. This variant is present in population databases (no rsID available, ExAC 0.006%). This variant has not been reported in the literature in individuals affected with CLCN1-related conditions. Algorithms developed to predict the effect of missense changes on protein structure and function are either unavailable or do not agree on the potential impact of this missense change (SIFT: "Deleterious"; PolyPhen-2: "Possibly Damaging"; Align-GVGD: "Class C0"). In summary, the available evidence is currently insufficient to determine the role of this variant in disease. Therefore, it has been classified as a Variant of Uncertain Significance.

Revvity Omics, Revvity
Classification: Uncertain significance. Last evaluated: 2021-02-18. Review status: criteria provided, single submitter. Criteria: ACMG Guidelines, 2015. Collection method: clinical testing. Allele origin: germline.

NM_000083.3(CLCN1):c.517C>T (p.Leu173Phe)

Gene: CLCN1 (chloride voltage-gated channel 1; plus strand). Cytogenetic location: 7q34.
Variant type: single nucleotide variant.
Coding change: c.517C>T on transcript NM_000083.3 (MANE Select); coding-DNA position 517, C replaced by T.
Protein change: p.Leu173Phe; replaces leucine 173 with phenylalanine.
Molecular consequence: missense variant. On other transcripts: non-coding transcript variant (1).
Genome position (GRCh38, 1-based): chr7:143,321,448, C>T. VCF-style: chr7-143321448-C-T. GRCh37 (hg19) VCF-style: chr7-143018541-C-T.
Other names: short protein forms L173F.
Identifiers: ClinVar variation 1062706 (VCV001062706.13), dbSNP rs1554434802, ClinGen allele CA4536971.
Genomic context (GRCh38, chr7:143,321,448, plus strand): 5'-ATGCAGCCCAGCCTTCCTCTGCAGTTCCTGGTCTGGGTCACCTTCCCACTAGTCCTCATC[C>T]TCTTCAGCGCCCTCTTCTGCCACCTCATCTCTCCCCAGGCTGTTGGTGAGAACTTGCCAC-3'
Protein context (NP_000074.3, residues 163-183): VWVTFPLVLI[Leu173Phe]FSALFCHLIS